The following is an entry in ClinVar:

ClinVar aggregate classification (germline): Likely pathogenic (1 of 4 stars; one submission).

Conditions:
Primary dilated cardiomyopathy (DCM). Also called: Dilated Cardiomyopathy. Identifiers: Orphanet 217604, MedGen C0007193, MeSH D002311, MONDO:0005021, HP:0001644. Inheritance: Various modes of inheritance.

Submission:

Laboratory for Molecular Medicine, Mass General Brigham Personalized Medicine
Classification: Likely pathogenic for Primary dilated cardiomyopathy. Last evaluated: 2018-07-25. Review status: criteria provided, single submitter. Criteria: ACMG Guidelines, 2015. Collection method: clinical testing. Allele origin: germline. Inheritance: Autosomal dominant inheritance.
Comment: The p.Gly27446X variant in TTN has not been previously reported in individuals with cardiomyopathy and was absent from large population studies. This nonsense variant leads to a premature termination codon at position 27446, which is predicted to lead to a truncated or absent protein. Nonsense and other truncating variants in TTN are strongly associated with DCM if they impact the exons encoding for the A-band (Herman 2012, Pugh 2014). The p.Gly27446X variant is located in A-band in the highly expressed exon 284. In summary, although additional studies are required to fully establish its clinical significance, the p.Gly27446X variant is likely pathogenic. ACMG/AMP Criteria applied: PVS1; PM2.

Literature cited by the submitters: PubMed 24503780; PubMed 22335739.

NM_001267550.2(TTN):c.90040G>T (p.Gly30014Ter)

Genes: TTN (titin; minus strand), TTN-AS1 (TTN antisense RNA 1; plus strand). Cytogenetic location: 2q31.2.
Variant type: single nucleotide variant.
Coding change: c.90040G>T on transcript NM_001267550.2 (MANE Select); coding-DNA position 90040, G replaced by T.
Protein change: p.Gly30014Ter; replaces glycine 30014 with a stop codon.
Molecular consequence: nonsense.
Genome position (GRCh38, 1-based): chr2:178,552,860, C>A on the plus strand (G>T on the coding strand, the complement: TTN is on the minus strand). VCF-style: chr2-178552860-C-A. GRCh37 (hg19) VCF-style: chr2-179417587-C-A.
Other names: c.85117G>T, p.Gly28373Ter (NM_001256850.1); c.62845G>T, p.Gly20949Ter (NM_003319.4); c.82336G>T, p.Gly27446Ter (NM_133378.4); c.63220G>T, p.Gly21074Ter (NM_133432.3); c.63421G>T, p.Gly21141Ter (NM_133437.4); short protein forms G20949*, G21074*, G21141*, G27446*, G28373*, G30014*.
Identifiers: ClinVar variation 3076047 (VCV003076047.1), dbSNP rs2469305827, ClinGen allele CA349514096.